The following is an entry in ClinVar:

NM_033004.4(NLRP1):c.2675C>T (p.Pro892Leu)

Gene: NLRP1 (NLR family pyrin domain containing 1; minus strand). Cytogenetic location: 17p13.2.
Variant type: single nucleotide variant.
Coding change: c.2675C>T on transcript NM_033004.4 (MANE Select); coding-DNA position 2675, C replaced by T.
Protein change: p.Pro892Leu; replaces proline 892 with leucine.
Molecular consequence: missense variant.
Genome position (GRCh38, 1-based): chr17:5,541,881, G>A on the plus strand (C>T on the coding strand, the complement: NLRP1 is on the minus strand). VCF-style: chr17-5541881-G-A. GRCh37 (hg19) VCF-style: chr17-5445201-G-A.
Other names: c.2675C>T, p.Pro892Leu (NM_001033053.3, NM_014922.5, NM_033006.4 and 1 more transcripts); short protein forms P892L.
Identifiers: ClinVar variation 2396373 (VCV002396373.5), dbSNP rs761134494, ClinGen allele CA8327104.
Genomic context (GRCh38, chr17:5,541,881, plus strand): 5'-TCCCTCCACCTCCCCCTGCCCACCAAGAACAATTACTGCAGTCGCTGTAGCTTGCAGCTC[G>A]GCTGTCTCAGTCTCTGGCAAAGGTGTTTGGCTCCAGCATCCGTGAGCACATTGAAGCTCA-3'
Protein context (NP_127497.1, residues 882-902): AKHLCQRLRQ[Pro892Leu]SCKLQRLQLV

ClinVar aggregate classification (germline): Uncertain significance. Review status: criteria provided, multiple submitters, no conflicts (2 of 4 stars). 2 submissions from 2 submitters: Uncertain significance (2). Last evaluated 2025-05-21.

Conditions:
Inborn genetic diseases. Identifiers: MedGen C0950123, MeSH D030342.

Allele frequency attached by ClinVar (database versions not stated): ExAC 0.00002; TOPMed below 0.00001; gnomAD 0.00001.
gnomAD v4.1: 8 of 1,613,622 alleles (0.0005%); highest among the groups gnomAD compares: South Asian, 0.0033%; no homozygotes.

Submissions (2):

Labcorp Genetics (formerly Invitae), Labcorp
Classification: Uncertain significance. Last evaluated: 2025-05-21. Review status: criteria provided, single submitter. Criteria: Invitae Variant Classification Sherloc (09022015). Collection method: clinical testing. Allele origin: germline.
Comment: This sequence change replaces proline, which is neutral and non-polar, with leucine, which is neutral and non-polar, at codon 892 of the NLRP1 protein (p.Pro892Leu). This variant is present in population databases (rs761134494, gnomAD 0.004%). This variant has not been reported in the literature in individuals affected with NLRP1-related conditions. ClinVar contains an entry for this variant (Variation ID: 2396373). An algorithm developed to predict the effect of missense changes on protein structure and function (PolyPhen-2) suggests that this variant is likely to be disruptive. In summary, the available evidence is currently insufficient to determine the role of this variant in disease. Therefore, it has been classified as a Variant of Uncertain Significance.

Ambry Genetics
Classification: Uncertain significance for Inborn genetic diseases. Last evaluated: 2022-11-22. Review status: criteria provided, single submitter. Criteria: Ambry Variant Classification Scheme 2023. Collection method: clinical testing. Allele origin: germline.